The following is an entry in ClinVar:

ClinVar aggregate classification (germline): Uncertain significance (1 of 4 stars; one submission).

Conditions:
Mitochondrial hypertrophic cardiomyopathy with lactic acidosis due to MTO1 deficiency. Also called: CARDIOMYOPATHY, INFANTILE HYPERTROPHIC MITOCHONDRIAL, AND LACTIC ACIDOSIS; Combined oxidative phosphorylation deficiency 10. Identifiers: Orphanet 314637, MedGen C4749921, MONDO:0013865, OMIM 614702.

Submission:

Labcorp Genetics (formerly Invitae), Labcorp
Classification: Uncertain significance for Mitochondrial hypertrophic cardiomyopathy with lactic acidosis due to MTO1 deficiency. Last evaluated: 2025-10-04. Review status: criteria provided, single submitter. Criteria: Invitae Variant Classification Sherloc (09022015). Collection method: clinical testing. Allele origin: germline.
Comment: This sequence change falls in intron 5 of the MTO1 gene. It does not directly change the encoded amino acid sequence of the MTO1 protein. It affects a nucleotide within the consensus splice site. Information on the frequency of this variant in the gnomAD database is not available, as this variant may be reported differently in the database. This variant has not been reported in the literature in individuals affected with MTO1-related conditions. Variants that disrupt the consensus splice site are a relatively common cause of aberrant splicing (PMID: 17576681, 9536098). In summary, the available evidence is currently insufficient to determine the role of this variant in disease. Therefore, it has been classified as a Variant of Uncertain Significance.

Literature cited by the submitters: PubMed 17576681; PubMed 9536098.

NM_012123.4(MTO1):c.938+6G>A

Gene: MTO1 (mitochondrial tRNA translation optimization 1; plus strand). Cytogenetic location: 6q13.
Variant type: single nucleotide variant.
Coding change: c.938+6G>A on transcript NM_012123.4 (MANE Select); 6 bases into the intron after coding-DNA position 938, G replaced by A.
Molecular consequence: intron variant.
Genome position (GRCh38, 1-based): chr6:73,479,850, G>A. VCF-style: chr6-73479850-G-A. GRCh37 (hg19) VCF-style: chr6-74189573-G-A.
Other names: c.938+6G>A (NM_133645.3, NM_001123226.2).
Identifiers: ClinVar variation 4774727 (VCV004774727.1).
Genomic context (GRCh38, chr6:73,479,850, plus strand): 5'-TCCTTAAGAACCTTCACCTTAATAGTCATGTTAAAGAAACGACAAGAGGACCTCGGTAAG[G>A]ACAAAATGTCAGTGCTCAGTTACTTTAAGGAATGACGTCAATCCTCTTTTGTTCATTTCA-3'